The following is an entry in ClinVar:

ClinVar aggregate classification (germline): Likely benign (0 of 4 stars; one submission).

Conditions:
NDUFS4-related disorder. Also called: NDUFS4-related condition.

Allele frequency attached by ClinVar (database versions not stated): gnomAD 0.00001; TOPMed 0.00001.
gnomAD v4.1: 6 of 1,614,108 alleles (0.00037%); highest among the groups gnomAD compares: Non-Finnish European, 0.00051%; no homozygotes.

Submission:

PreventionGenetics, part of Exact Sciences
Classification: Likely benign for NDUFS4-related condition. Last evaluated: 2019-05-02. Review status: no assertion criteria provided. Collection method: clinical testing. Allele origin: germline.
Comment: This variant is classified as likely benign based on ACMG/AMP sequence variant interpretation guidelines (Richards et al. 2015 PMID: 25741868, with internal and published modifications).

NM_002495.4(NDUFS4):c.60G>C (p.Val20=)

Genes: NDUFS4 (NADH:ubiquinone oxidoreductase subunit S4; plus strand), LOC129993885 (ATAC-STARR-seq lymphoblastoid active region 22547; plus strand). Cytogenetic location: 5q11.2.
Variant type: single nucleotide variant.
Coding change: c.60G>C on transcript NM_002495.4 (MANE Select); coding-DNA position 60, G replaced by C.
Protein change: p.Val20=; no amino-acid change (valine 20 retained).
Molecular consequence: synonymous variant. On other transcripts: non-coding transcript variant (3).
Genome position (GRCh38, 1-based): chr5:53,560,722, G>C. VCF-style: chr5-53560722-G-C. GRCh37 (hg19) VCF-style: chr5-52856552-G-C.
Other names: c.60G>C, p.Val20= (NM_001318051.2).
Identifiers: ClinVar variation 3038229 (VCV003038229.2), dbSNP rs770122859, ClinGen allele CA444329729.
Genomic context (GRCh38, chr5:53,560,722, plus strand): 5'-GATGGCGGCGGTGTCAATGTCAGTGGTACTGAGGCAGACGTTGTGGCGGAGAAGGGCAGT[G>C]GCTGTAGCTGCCCTTTCCGTTTCCAGGGTTCCGACCAGGTAATAGAATTTTCACACTTTT-3'
Protein context (NP_002486.1, residues 10-30): LRQTLWRRRA[Val20=]AVAALSVSRV